The following is an entry in ClinVar:

NM_002788.4(PSMA3):c.482A>T (p.Tyr161Phe)

Gene: PSMA3 (proteasome 20S subunit alpha 3; plus strand). Cytogenetic location: 14q23.1.
Variant type: single nucleotide variant.
Coding change: c.482A>T on transcript NM_002788.4 (MANE Select); coding-DNA position 482, A replaced by T.
Protein change: p.Tyr161Phe; replaces tyrosine 161 with phenylalanine.
Molecular consequence: missense variant. On other transcripts: non-coding transcript variant (1).
Genome position (GRCh38, 1-based): chr14:58,263,709, A>T. VCF-style: chr14-58263709-A-T. GRCh37 (hg19) VCF-style: chr14-58730427-A-T.
Other names: c.461A>T, p.Tyr154Phe (NM_152132.3); short protein forms Y154F, Y161F.
Identifiers: ClinVar variation 1011069 (VCV001011069.8), dbSNP rs1890350388, ClinGen allele CA389850464.

ClinVar aggregate classification (germline): Uncertain significance (1 of 4 stars; one submission).

Submission:

Labcorp Genetics (formerly Invitae), Labcorp
Classification: Uncertain significance. Last evaluated: 2025-04-07. Review status: criteria provided, single submitter. Criteria: Invitae Variant Classification Sherloc (09022015). Collection method: clinical testing. Allele origin: germline.
Comment: This sequence change replaces tyrosine, which is neutral and polar, with phenylalanine, which is neutral and non-polar, at codon 161 of the PSMA3 protein (p.Tyr161Phe). This variant is not present in population databases (gnomAD no frequency). This variant has not been reported in the literature in individuals affected with PSMA3-related conditions. ClinVar contains an entry for this variant (Variation ID: 1011069). An algorithm developed to predict the effect of missense changes on protein structure and function (PolyPhen-2) suggests that this variant is likely to be disruptive. In summary, the available evidence is currently insufficient to determine the role of this variant in disease. Therefore, it has been classified as a Variant of Uncertain Significance.